The following is an entry in ClinVar:

NM_004539.4(NARS1):c.1522T>C (p.Tyr508His)

Gene: NARS1 (asparaginyl-tRNA synthetase 1; minus strand). Cytogenetic location: 18q21.31.
Variant type: single nucleotide variant.
Coding change: c.1522T>C on transcript NM_004539.4 (MANE Select); coding-DNA position 1522, T replaced by C.
Protein change: p.Tyr508His; replaces tyrosine 508 with histidine.
Molecular consequence: missense variant.
Genome position (GRCh38, 1-based): chr18:57,601,777, A>G on the plus strand (T>C on the coding strand, the complement: NARS1 is on the minus strand). VCF-style: chr18-57601777-A-G. GRCh37 (hg19) VCF-style: chr18-55269009-A-G.
Other names: short protein forms Y508H.
Identifiers: ClinVar variation 1339623 (VCV001339623.2), dbSNP rs1487026830, ClinGen allele CA402543080.

ClinVar aggregate classification (germline): Uncertain significance (1 of 4 stars; one submission).

Allele frequency attached by ClinVar (database versions not stated): gnomAD exomes below 0.00001; TOPMed below 0.00001.
gnomAD v4.1: 1 of 1,613,054 alleles (0.000062%); highest among the groups gnomAD compares: East Asian, 0.0022%; no homozygotes.

Submission:

GeneDx
Classification: Uncertain significance. Last evaluated: 2023-01-13. Review status: criteria provided, single submitter. Criteria: GeneDx Variant Classification Process June 2021. Collection method: clinical testing. Allele origin: germline. Affected: yes.
Comment: Not observed at significant frequency in large population cohorts (gnomAD); In silico analysis supports that this missense variant has a deleterious effect on protein structure/function; Has not been previously published as pathogenic or benign to our knowledge